The following is an entry in ClinVar:

ClinVar aggregate classification (germline): Uncertain significance (1 of 4 stars; one submission).

Conditions:
Congenital hyperammonemia, type I. Also called: Carbamoyl phosphate synthetase I deficiency disease; Carbamoyl phosphate synthetase 1 deficiency; Hyperammonemia due to carbamoyl phosphate synthetase 1 deficiency; CPS 1 deficiency; Carbamyl phosphate synthetase (CPS) deficiency; Carbamoyl-phosphate synthase I deficiency. Identifiers: Orphanet 147, MedGen C4082171, MONDO:0009376, OMIM 237300.

Submission:

Labcorp Genetics (formerly Invitae), Labcorp
Classification: Uncertain significance for Congenital hyperammonemia, type I. Last evaluated: 2022-07-28. Review status: criteria provided, single submitter. Criteria: Invitae Variant Classification Sherloc (09022015). Collection method: clinical testing. Allele origin: germline.
Comment: This sequence change replaces glycine, which is neutral and non-polar, with arginine, which is basic and polar, at codon 922 of the CPS1 protein (p.Gly922Arg). This variant is not present in population databases (gnomAD no frequency). This variant has not been reported in the literature in individuals affected with CPS1-related conditions. Algorithms developed to predict the effect of missense changes on protein structure and function output the following: SIFT: "Deleterious"; PolyPhen-2: "Benign"; Align-GVGD: "Class C0". The arginine amino acid residue is found in multiple mammalian species, which suggests that this missense change does not adversely affect protein function. In summary, the available evidence is currently insufficient to determine the role of this variant in disease. Therefore, it has been classified as a Variant of Uncertain Significance.

NM_001875.5(CPS1):c.2764G>A (p.Gly922Arg)

Gene: CPS1 (carbamoyl-phosphate synthase 1; plus strand). Cytogenetic location: 2q34.
Variant type: single nucleotide variant.
Coding change: c.2764G>A on transcript NM_001875.5 (MANE Select); coding-DNA position 2764, G replaced by A.
Protein change: p.Gly922Arg; replaces glycine 922 with arginine.
Molecular consequence: missense variant. On other transcripts: non-coding transcript variant (2).
Genome position (GRCh38, 1-based): chr2:210,637,778, G>A. VCF-style: chr2-210637778-G-A. GRCh37 (hg19) VCF-style: chr2-211502502-G-A.
Other names: c.2764G>A, p.Gly922Arg (NM_001122633.3, NM_001369257.1); c.2797G>A, p.Gly933Arg (NM_001369256.1); short protein forms G922R, G933R.
Identifiers: ClinVar variation 1714045 (VCV001714045.5), dbSNP rs2469258896, ClinGen allele CA350431047.